The following is an entry in ClinVar:

NM_000553.6(WRN):c.2417T>G (p.Ile806Ser)

Gene: WRN (WRN RecQ like helicase; plus strand). Cytogenetic location: 8p12.
Variant type: single nucleotide variant.
Coding change: c.2417T>G on transcript NM_000553.6 (MANE Select); coding-DNA position 2417, T replaced by G.
Protein change: p.Ile806Ser; replaces isoleucine 806 with serine.
Molecular consequence: missense variant.
Genome position (GRCh38, 1-based): chr8:31,116,497, T>G. VCF-style: chr8-31116497-T-G. GRCh37 (hg19) VCF-style: chr8-30974013-T-G.
Other names: short protein forms I806S.
Identifiers: ClinVar variation 1481585 (VCV001481585.8), dbSNP rs2130306078, ClinGen allele CA370913978.
Genomic context (GRCh38, chr8:31,116,497, plus strand): 5'-AACTGAATCTATCCTGTGGAACATACCATGCGGGCATGAGTTTTAGCACAAGGAAAGACA[T>G]TCATCATAGGTTTGTAAGAGATGAAATTCAGGTATGAGGATCAATCATCATTGCTCTCCG-3'
Protein context (NP_000544.2, residues 796-816): AGMSFSTRKD[Ile806Ser]HHRFVRDEIQ

ClinVar aggregate classification (germline): Uncertain significance (1 of 4 stars; one submission).

Conditions:
Werner syndrome (WRN). Identifiers: Orphanet 902, MedGen C0043119, MONDO:0010196, OMIM 277700.

Submission:

Labcorp Genetics (formerly Invitae), Labcorp
Classification: Uncertain significance for Werner syndrome. Last evaluated: 2022-03-28. Review status: criteria provided, single submitter. Criteria: Invitae Variant Classification Sherloc (09022015). Collection method: clinical testing. Allele origin: germline.
Comment: This sequence change replaces isoleucine, which is neutral and non-polar, with serine, which is neutral and polar, at codon 806 of the WRN protein (p.Ile806Ser). This variant is not present in population databases (gnomAD no frequency). This variant has not been reported in the literature in individuals affected with WRN-related conditions. Algorithms developed to predict the effect of missense changes on protein structure and function are either unavailable or do not agree on the potential impact of this missense change (SIFT: "Not Available"; PolyPhen-2: "Benign"; Align-GVGD: "Not Available"). In summary, the available evidence is currently insufficient to determine the role of this variant in disease. Therefore, it has been classified as a Variant of Uncertain Significance.